The following is an entry in ClinVar:

ClinVar aggregate classification (germline): Pathogenic (1 of 4 stars; one submission).

Conditions:
Otitis media, susceptibility to (OMS). Also called: COME/ROM; OTITIS MEDIA, CHRONIC/RECURRENT. Identifiers: MedGen C1833692, MONDO:0008162, OMIM 166760.

gnomAD v4.1: 1 of 1,613,696 alleles (0.000062%); no homozygotes.

Submission:

Santos-Cortez Lab, University of Colorado School of Medicine
Classification: Pathogenic for Otitis media, susceptibility to. Last evaluated: 2023-07-14. Review status: criteria provided, single submitter. Criteria: Frank et al. (J Med Genet. 2021). Collection method: research. Allele origin: germline, not applicable. Inheritance: Autosomal dominant inheritance. Affected: yes. Observed: 55 variant alleles, 49 heterozygotes, 6 homozygotes. Clinical features observed: Otitis media (HP:0000388). Functional consequence: effect on RNA splicing.
Comment: The pathogenicity of SLPI NM_003064:c.394+1G>T is strongly supported by a significant LOD score supporting co-segregation with the otitis media phenotype, alternative splicing based on functional assay on saliva from wildtype vs heterozygous vs homozygous, differentially expressed infection or immune genes according to changes in RNA levels of SLPI in an independent otitis media cohort, microbiota studies of the middle ear and nasopharynx, and cell-specific expression in mouse middle ear after acute infection.

NM_003064.4(SLPI):c.394+1G>T

Gene: SLPI (secretory leukocyte peptidase inhibitor; minus strand). Cytogenetic location: 20q13.12.
Variant type: single nucleotide variant.
Coding change: c.394+1G>T on transcript NM_003064.4 (MANE Select); the canonical splice donor site of the intron after coding-DNA position 394, G replaced by T.
Molecular consequence: splice donor variant.
Genome position (GRCh38, 1-based): chr20:45,253,001, C>A on the plus strand (G>T on the coding strand, the complement: SLPI is on the minus strand). VCF-style: chr20-45253001-C-A. GRCh37 (hg19) VCF-style: chr20-43881642-C-A.
Identifiers: ClinVar variation 2572174 (VCV002572174.3), dbSNP rs112155652, ClinGen allele CA409145540.